The following is an entry in ClinVar:

ClinVar aggregate classification (germline): Uncertain significance (1 of 4 stars; one submission).

Conditions:
Inborn genetic diseases. Identifiers: MedGen C0950123, MeSH D030342.

gnomAD v4.1: 7 of 1,613,748 alleles (0.00043%); highest among the groups gnomAD compares: Non-Finnish European, 0.00059%; no homozygotes.

Submission:

Ambry Genetics
Classification: Uncertain significance for Inborn genetic diseases. Last evaluated: 2026-06-19. Review status: criteria provided, single submitter. Criteria: Ambry Variant Classification Scheme 2023. Collection method: clinical testing. Allele origin: germline.
Comment: The p.D44G variant (also known as c.131A>G), located in coding exon 1 of the ANKRD26 gene, results from an A to G substitution at nucleotide position 131. The aspartic acid at codon 44 is replaced by glycine, an amino acid with similar properties. This amino acid position is conserved. In addition, this alteration is predicted to be tolerated by in silico analysis. Based on the available evidence, the clinical significance of this variant remains unclear.

NM_014915.3(ANKRD26):c.131A>G (p.Asp44Gly)

Genes: ANKRD26 (ankyrin repeat domain 26; minus strand), LOC130003554 (ATAC-STARR-seq lymphoblastoid silent region 2243; plus strand). Cytogenetic location: 10p12.1.
Variant type: single nucleotide variant.
Coding change: c.131A>G on transcript NM_014915.3 (MANE Select); coding-DNA position 131, A replaced by G.
Protein change: p.Asp44Gly; replaces aspartic acid 44 with glycine.
Molecular consequence: missense variant.
Genome position (GRCh38, 1-based): chr10:27,100,196, T>C on the plus strand (A>G on the coding strand, the complement: ANKRD26 is on the minus strand). VCF-style: chr10-27100196-T-C. GRCh37 (hg19) VCF-style: chr10-27389125-T-C.
Other names: c.131A>G, p.Asp44Gly (NM_001256053.2); short protein forms D44G.
Identifiers: ClinVar variation 5022800 (VCV005022800.1).
Genomic context (GRCh38, chr10:27,100,196, plus strand): 5'-TGCTGCACTTTCGCCACATTACCCGCGCTGGCAGCTTTGTGGATCTTGCCGAGATCTCGG[T>C]CTCGGACGTGGTAGCCGGGCTGCGAGTAGGCGCCCTCCCCCGGCTCGCCCCCGCCTCCCG-3'
Protein context (NP_055730.2, residues 34-54): AYSQPGYHVR[Asp44Gly]RDLGKIHKAA